The following is an entry in ClinVar:

NM_001372.4(DNAH9):c.3593G>C (p.Trp1198Ser)

Gene: DNAH9 (dynein axonemal heavy chain 9; plus strand). Cytogenetic location: 17p12.
Variant type: single nucleotide variant.
Coding change: c.3593G>C on transcript NM_001372.4 (MANE Select); coding-DNA position 3593, G replaced by C.
Protein change: p.Trp1198Ser; replaces tryptophan 1198 with serine.
Molecular consequence: missense variant.
Genome position (GRCh38, 1-based): chr17:11,680,739, G>C. VCF-style: chr17-11680739-G-C. GRCh37 (hg19) VCF-style: chr17-11584056-G-C.
Other names: short protein forms W1198S.
Identifiers: ClinVar variation 1419177 (VCV001419177.14), dbSNP rs141958775, ClinGen allele CA8395496.
Genomic context (GRCh38, chr17:11,680,739, plus strand): 5'-AAGAGCACCTTGGGAATCTGACCACACTGAGGTTTCCTTTGCAGGAGCTGCCTGAGAAAT[G>C]GAACAACATAAAAAAGGTGGCCATTACTGTGAAGCAGCAGGTGGCCCCACTGCAGGCAAA-3'
Protein context (NP_001363.2, residues 1188-1208): FKQLEELPEK[Trp1198Ser]NNIKKVAITV

ClinVar aggregate classification (germline): Conflicting classifications of pathogenicity. Review status: criteria provided, conflicting classifications (1 of 4 stars). 6 submissions from 6 submitters: Likely pathogenic (1); Uncertain significance (3); Likely benign (1). 1 of the submissions does not count toward it. Last evaluated 2026-01-05.

Conditions:
Ciliary dyskinesia, primary, 40. Also called: CILIARY DYSKINESIA, PRIMARY, 40, WITH OR WITHOUT SITUS INVERSUS. Identifiers: MedGen C4749028, MONDO:0032664, OMIM 618300.
DNAH9-related disorder. Also called: DNAH9-related condition.

Allele frequency attached by ClinVar (database versions not stated): gnomAD 0.00049; ESP Exome Variant Server 0.00054; gnomAD exomes 0.00054 and 0.00064; ExAC 0.00056; TOPMed 0.00077; 1000 Genomes Project 30x 0.00078; 1000 Genomes Project 0.00080.
gnomAD v4.1: 1,016 of 1,614,000 alleles (0.063%); highest among the groups gnomAD compares: Admixed American, 0.15%; no homozygotes.

Submissions (6):

Labcorp Genetics (formerly Invitae), Labcorp
Classification: Uncertain significance. Last evaluated: 2026-01-05. Review status: criteria provided, single submitter. Criteria: Invitae Variant Classification Sherloc (09022015). Collection method: clinical testing. Allele origin: germline.
Comment: This sequence change replaces tryptophan, which is neutral and slightly polar, with serine, which is neutral and polar, at codon 1198 of the DNAH9 protein (p.Trp1198Ser). This variant is present in population databases (rs141958775, gnomAD 0.1%), and has an allele count higher than expected for a pathogenic variant. This missense change has been observed in individual(s) with DNAH9-related conditions (PMID: 34740920). ClinVar contains an entry for this variant (Variation ID: 1419177). Invitae Evidence Modeling of protein sequence and biophysical properties (such as structural, functional, and spatial information, amino acid conservation, physicochemical variation, residue mobility, and thermodynamic stability) indicates that this missense variant is expected to disrupt DNAH9 protein function with a positive predictive value of 80%. In summary, the available evidence is currently insufficient to determine the role of this variant in disease. Therefore, it has been classified as a Variant of Uncertain Significance.

3billion
Classification: Likely pathogenic for Ciliary dyskinesia, primary, 40. Last evaluated: 2025-10-10. Review status: criteria provided, single submitter. Criteria: ACMG Guidelines, 2015. Collection method: clinical testing. Allele origin: germline. Affected: yes.
Comment: The variant is observed at an extremely low frequency in the gnomAD v4.1.0 dataset (total allele frequency: 0.063%). Predicted Consequence/Location: Missense variant In silico tool predictions suggest damaging effect of the variant on gene or gene product [REVEL: 0.60 (>=0.6, sensitivity 0.68 and specificity 0.92)]. The same nucleotide change resulting in the same amino acid change has been previously reported to be associated with DNAH9-related disorder (PMID: 34740920 /3billion dataset). The variant has been reported to be in trans with a pathogenic variant as either compound heterozygous or homozygous in at least one similarly affected unrelated individual (PMID: 34740920). Therefore, this variant is classified as Likely pathogenic according to the recommendation of ACMG/AMP guideline.

Blueprint Genetics
Classification: Likely benign. Last evaluated: 2024-09-11. Review status: criteria provided, single submitter. Criteria: ACMG Guidelines, 2015. Collection method: clinical testing. Allele origin: germline.

GeneDx
Classification: Uncertain significance. Last evaluated: 2023-12-18. Review status: criteria provided, single submitter. Criteria: GeneDx Variant Classification Process June 2021. Collection method: clinical testing. Allele origin: germline.
Comment: Identified in a patient with primary ciliary dyskinesia (PMID: 34513534); In silico analysis supports that this missense variant has a deleterious effect on protein structure/function; This variant is associated with the following publications: (PMID: 35626283, 34513534, 34740920)

Revvity Omics, Revvity
Classification: Uncertain significance for Ciliary dyskinesia, primary, 40. Last evaluated: 2022-05-11. Review status: criteria provided, single submitter. Criteria: ACMG Guidelines, 2015. Collection method: clinical testing. Allele origin: germline.

PreventionGenetics, part of Exact Sciences
Classification: Uncertain significance for DNAH9-related condition. Last evaluated: 2024-06-07. Review status: no assertion criteria provided. Collection method: clinical testing. Allele origin: germline. Not counted in ClinVar's aggregate classification.
Comment: The DNAH9 c.3593G>C variant is predicted to result in the amino acid substitution p.Trp1198Ser. This variant was reported in the compound heterozygous state with a second DNAH9 variant in an individual with an unspecified phenotype (FAM94 in Supplementary Table 2, Cloney et al. 2022. PubMed ID: 34740920). This variant is reported in 0.11% of alleles in individuals of Latino descent in gnomAD. Although we suspect that this variant may be benign, at this time, the clinical significance of this variant is uncertain due to the absence of conclusive functional and genetic evidence.

Literature cited by the submitters: PubMed 34740920 (cited by Labcorp Genetics (formerly Invitae), Labcorp and 3billion).